The following is an entry in ClinVar:

ClinVar aggregate classification (germline): Uncertain significance (1 of 4 stars; one submission).

Submission:

GeneDx
Classification: Uncertain significance. Last evaluated: 2026-04-08. Review status: criteria provided, single submitter. Criteria: GeneDx Variant Classification Process June 2021. Collection method: clinical testing. Allele origin: germline.
Comment: Not observed at significant frequency in large population cohorts (gnomAD); In silico analysis suggests that this missense variant does not alter protein structure/function; Has not been previously published as pathogenic or benign to our knowledge

NM_018194.6(HHAT):c.205C>A (p.Gln69Lys)

Gene: HHAT (hedgehog acyltransferase; plus strand). Cytogenetic location: 1q32.2.
Variant type: single nucleotide variant.
Coding change: c.205C>A on transcript NM_018194.6 (MANE Select); coding-DNA position 205, C replaced by A.
Protein change: p.Gln69Lys; replaces glutamine 69 with lysine.
Molecular consequence: missense variant.
Genome position (GRCh38, 1-based): chr1:210,387,513, C>A. VCF-style: chr1-210387513-C-A. GRCh37 (hg19) VCF-style: chr1-210560857-C-A.
Other names: c.205C>A, p.Gln69Lys (NM_001170588.3, NM_001170580.3, NM_001122834.4 and 1 more transcripts); c.208C>A, p.Gln70Lys (NM_001170587.3); short protein forms Q69K, Q70K.
Identifiers: ClinVar variation 5018356 (VCV005018356.1).